The following is an entry in ClinVar:

NM_003072.5(SMARCA4):c.4399G>A (p.Asp1467Asn)

Gene: SMARCA4 (SWI/SNF related BAF chromatin remodeling complex subunit ATPase 4; plus strand). Cytogenetic location: 19p13.2.
Variant type: single nucleotide variant.
Coding change: c.4399G>A on transcript NM_003072.5 (MANE Select); coding-DNA position 4399, G replaced by A.
Protein change: p.Asp1467Asn; replaces aspartic acid 1467 with asparagine.
Molecular consequence: missense variant. On other transcripts: non-coding transcript variant (1).
Genome position (GRCh38, 1-based): chr19:11,041,535, G>A. VCF-style: chr19-11041535-G-A. GRCh37 (hg19) VCF-style: chr19-11152211-G-A.
Other names: c.4399G>A, p.Asp1467Asn (NM_001128844.3); c.4309G>A, p.Asp1437Asn (NM_001128845.2, NM_001128846.2); c.4300G>A, p.Asp1434Asn (NM_001128847.4, NM_001128848.2, NM_001374457.1); c.4495G>A, p.Asp1499Asn (NM_001128849.3, NM_001387283.1); c.4396G>A, p.Asp1466Asn (NM_001411150.1); short protein forms D1434N, D1437N, D1499N, D1467N, D1466N.
Identifiers: ClinVar variation 1740992 (VCV001740992.2), dbSNP rs1804580, ClinGen allele CA404074146.

ClinVar aggregate classification (germline): Uncertain significance (1 of 4 stars; one submission).

Conditions:
Hereditary cancer-predisposing syndrome. Also called: Hereditary Cancer Syndrome; Hereditary neoplastic syndrome; Neoplastic Syndromes, Hereditary; Tumor predisposition. Identifiers: Orphanet 140162, MedGen C0027672, MeSH D009386, MONDO:0015356.

Submission:

Ambry Genetics
Classification: Uncertain significance for Hereditary cancer-predisposing syndrome. Last evaluated: 2021-08-02. Review status: criteria provided, single submitter. Criteria: Ambry Variant Classification Scheme 2023. Collection method: clinical testing. Allele origin: germline.
Comment: The p.D1499N variant (also known as c.4495G>A), located in coding exon 30 of the SMARCA4 gene, results from a G to A substitution at nucleotide position 4495. The aspartic acid at codon 1499 is replaced by asparagine, an amino acid with highly similar properties. This amino acid position is highly conserved in available vertebrate species. In addition, this alteration is predicted to be tolerated by in silico analysis. Since supporting evidence is limited at this time, the clinical significance of this alteration remains unclear.